The following is an entry in ClinVar:

ClinVar aggregate classification (germline): Conflicting classifications of pathogenicity. Review status: criteria provided, conflicting classifications (1 of 4 stars). 3 submissions from 3 submitters: Uncertain significance (1); Likely benign (2). Last evaluated 2025-06-23.

Allele frequency attached by ClinVar (database versions not stated): ESP Exome Variant Server 0.00008; TOPMed 0.00010; gnomAD 0.00011; ExAC 0.00017.

Submissions (3):

Labcorp Genetics (formerly Invitae), Labcorp
Classification: Likely benign. Last evaluated: 2025-06-23. Review status: criteria provided, single submitter. Criteria: Invitae Variant Classification Sherloc (09022015). Collection method: clinical testing. Allele origin: germline.

Ambry Genetics
Classification: Uncertain significance. Last evaluated: 2024-08-12. Review status: criteria provided, single submitter. Criteria: Ambry Variant Classification Scheme 2023. Collection method: clinical testing. Allele origin: germline.

GeneDx
Classification: Likely benign. Last evaluated: 2018-05-14. Review status: criteria provided, single submitter. Criteria: GeneDx Variant Classification (06012015). Collection method: clinical testing. Allele origin: germline. Affected: yes.
Comment: This variant is considered likely benign or benign based on one or more of the following criteria: it is a conservative change, it occurs at a poorly conserved position in the protein, it is predicted to be benign by multiple in silico algorithms, and/or has population frequency not consistent with disease.

NM_170682.4(P2RX2):c.1409A>G (p.Gln470Arg)

Gene: P2RX2 (purinergic receptor P2X 2; plus strand). Cytogenetic location: 12q24.33.
Variant type: single nucleotide variant.
Coding change: c.1409A>G on transcript NM_170682.4 (MANE Select); coding-DNA position 1409, A replaced by G.
Protein change: p.Gln470Arg; replaces glutamine 470 with arginine.
Molecular consequence: missense variant. On other transcripts: 3 prime UTR variant (1).
Genome position (GRCh38, 1-based): chr12:132,621,965, A>G. VCF-style: chr12-132621965-A-G. GRCh37 (hg19) VCF-style: chr12-133198551-A-G.
Other names: c.1106A>G, p.Gln369Arg (NM_001282164.2); c.*456A>G (NM_001282165.2); c.1193A>G, p.Gln398Arg (NM_012226.5); c.1337A>G, p.Gln446Arg (NM_016318.4); c.1487A>G, p.Gln496Arg (NM_170683.4); c.1133A>G, p.Gln378Arg (NM_174872.3); c.1208A>G, p.Gln403Arg (NM_174873.3); c.1487A>G (NM_170683.2); short protein forms Q369R, Q403R, Q446R, Q496R, Q378R, Q398R, Q470R.
Identifiers: ClinVar variation 682259 (VCV000682259.10), dbSNP rs369100205, ClinGen allele CA6891909.